The following is an entry in ClinVar:

ClinVar aggregate classification (germline): Uncertain significance. Review status: criteria provided, single submitter (1 of 4 stars). 2 submissions from 2 submitters: Uncertain significance (1). 1 of the submissions does not count toward it. Last evaluated 2025-05-01.

Conditions:
Nicolaides-Baraitser syndrome (NCBRS). Also called: SMARCA2-Related Nicolaides-Baraitser Syndrome; Intellectual disability-sparse hair-brachydactyly syndrome. Identifiers: Orphanet 3051, MedGen C1303073, MONDO:0011053, OMIM 601358.

Allele frequency attached by ClinVar (database versions not stated): TOPMed 0.00001; gnomAD 0.00002; ExAC 0.00012.

Submissions (2):

CeGaT Center for Human Genetics Tuebingen
Classification: Uncertain significance. Last evaluated: 2025-05-01. Review status: criteria provided, single submitter. Criteria: CeGaT Center For Human Genetics Tuebingen Variant Classification Criteria Version 2. Collection method: clinical testing. Allele origin: germline. Affected: yes. Observed: 3 variant alleles.
Comment: SMARCA2: PP2

Dr.Nikuei Genetic Center
Classification: Likely benign for Nicolaides-Baraitser syndrome. Last evaluated: 2024-05-24. Review status: no assertion criteria provided. Collection method: clinical testing. Allele origin: germline. Affected: no. Not counted in ClinVar's aggregate classification.

NM_003070.5(SMARCA2):c.26C>T (p.Ala9Val)

Gene: SMARCA2 (SWI/SNF related BAF chromatin remodeling complex subunit ATPase 2; plus strand). Cytogenetic location: 9p24.3.
Variant type: single nucleotide variant.
Coding change: c.26C>T on transcript NM_003070.5 (MANE Select); coding-DNA position 26, C replaced by T.
Protein change: p.Ala9Val; replaces alanine 9 with valine.
Molecular consequence: missense variant.
Genome position (GRCh38, 1-based): chr9:2,029,048, C>T. VCF-style: chr9-2029048-C-T. GRCh37 (hg19) VCF-style: chr9-2029048-C-T.
Other names: c.26C>T, p.Ala9Val (NM_001289396.2, NM_001289397.2, NM_139045.4); short protein forms A9V.
Identifiers: ClinVar variation 3248528 (VCV003248528.9), dbSNP rs773325366.